The following is an entry in ClinVar:

NM_002890.3(RASA1):c.1490dup (p.Leu497fs)

Genes: CCNH (cyclin H; minus strand), RASA1 (RAS p21 protein activator 1; plus strand). Cytogenetic location: 5q14.3.
Variant type: Duplication.
Coding change: c.1490dup on transcript NM_002890.3 (MANE Select); coding-DNA position 1490, one base duplicated (T; older notation c.1490dupT).
Protein change: p.Leu497fs; shifts the reading frame from leucine 497.
Molecular consequence: frameshift variant. On other transcripts: intron variant (1).
Genome position (GRCh38, 1-based): chr5:87,363,384, T duplicated; the last of 2 consecutive T bases (chr5:87,363,383-87,363,384); duplicating either gives the same sequence. VCF-style (leftmost placement, unchanged base first): chr5-87363382-C-CT. GRCh37 (hg19) VCF-style: chr5-86659199-C-CT.
Other names: c.959dup, p.Leu320fs (NM_022650.3); c.933+31661dup (NM_001364075.2); short protein forms L320fs, L497fs.
Identifiers: ClinVar variation 3340435 (VCV003340435.1).
Genomic context (GRCh38, chr5:87,363,382, plus strand): 5'-AGAAAACAATTTTTTTTTTTAAACAGGCAAAGGAAAACGTTGGAAAAATTTATATTTTAT[C>CT]TTAGAGGGTAGTGATGCCCAACTTATTTATTTTGAAAGCGAAAAACGAGCTACCAAACCA-3'

ClinVar aggregate classification (germline): Pathogenic (1 of 4 stars; one submission).

Conditions:
Capillary malformation-arteriovenous malformation 1 (CMAVM1). Identifiers: Orphanet 137667, Orphanet 693907, MedGen C4747394, MONDO:0020783, OMIM 608354.

Submission:

Seattle Children's Hospital Molecular Genetics Laboratory, Seattle Children's Hospital
Classification: Pathogenic for Capillary malformation-arteriovenous malformation 1. Review status: criteria provided, single submitter. Criteria: ACMG Guidelines, 2015. Collection method: clinical testing. Allele origin: germline. Affected: yes.
Comment: The p.Leu497Phefs*4 variant substitutes the leucine at codon 497 with the phenylalanine followed by a premature termination codon after 4 residues. This variant is located in the Pleckstrin homology (PH) domain within exon 11 of 25 total exons. It is predicted to result in loss of protein function via nonsense-mediated decay. This variant is absent from large population studies (gnomad v2.1.1). While this variant has not been previously reported, a nonsense variant at codon 497 and other frameshift and nonsense variants downstream of this position have been described in several individuals with capillary malformations (PMID: 18446851, PMID: 23158644, PMID: 29891884, PMID: 22200646, and others). Loss-of-function is a known disease mechanism in RASA1-related disorders (PMID: 21348050).